The following is an entry in ClinVar:

ClinVar aggregate classification (germline): Uncertain significance (1 of 4 stars; one submission).

gnomAD v4.1: 1 of 1,613,526 alleles (0.000062%); highest among the groups gnomAD compares: Non-Finnish European, 0.000085%; no homozygotes.

Submission:

Ambry Genetics
Classification: Uncertain significance. Last evaluated: 2025-08-02. Review status: criteria provided, single submitter. Criteria: Ambry Variant Classification Scheme 2023. Collection method: clinical testing. Allele origin: germline.
Comment: The p.T525I variant (also known as c.1574C>T), located in coding exon 2 of the CDK12 gene, results from a C to T substitution at nucleotide position 1574. The threonine at codon 525 is replaced by isoleucine, an amino acid with similar properties. This amino acid position is conserved. In addition, this alteration is predicted to be tolerated by in silico analysis. Based on the available evidence, the clinical significance of this variant remains unclear.

NM_016507.4(CDK12):c.1574C>T (p.Thr525Ile)

Gene: CDK12 (cyclin dependent kinase 12; plus strand). Cytogenetic location: 17q12.
Variant type: single nucleotide variant.
Coding change: c.1574C>T on transcript NM_016507.4 (MANE Select); coding-DNA position 1574, C replaced by T.
Protein change: p.Thr525Ile; replaces threonine 525 with isoleucine.
Molecular consequence: missense variant.
Genome position (GRCh38, 1-based): chr17:39,471,406, C>T. VCF-style: chr17-39471406-C-T. GRCh37 (hg19) VCF-style: chr17-37627659-C-T.
Other names: c.1574C>T, p.Thr525Ile (NM_015083.4); short protein forms T525I.
Identifiers: ClinVar variation 4224336 (VCV004224336.1).
Genomic context (GRCh38, chr17:39,471,406, plus strand): 5'-CCATAGCACTGAAAGAGGAGATTGTTACTCCAAAGGAGACAGAAACATCAGAAAAGGAGA[C>T]CCCTCCACCTCTTCCCACAATTGCTTCTCCCCCACCCCCTCTACCAACTACTACCCCTCC-3'
Protein context (NP_057591.2, residues 515-535): PKETETSEKE[Thr525Ile]PPPLPTIASP